The following is an entry in ClinVar:

ClinVar aggregate classification (germline): Benign/Likely benign. Review status: criteria provided, multiple submitters, no conflicts (2 of 4 stars). 4 submissions from 4 submitters: Benign (1); Likely benign (3). Last evaluated 2025-05-05.

Conditions:
MRE11-related disorder. Also called: MRE11-related condition.
Ataxia-telangiectasia-like disorder (ATLD). Identifiers: MedGen C1858391, MONDO:0011457.

Allele frequency attached by ClinVar (database versions not stated): gnomAD 0.00003 and 0.00004; TOPMed 0.00003; ExAC 0.00007.
gnomAD v4.1: 43 of 1,596,712 alleles (0.0027%); highest among the groups gnomAD compares: Admixed American, 0.013%; no homozygotes.

Submissions (4):

Labcorp Genetics (formerly Invitae), Labcorp
Classification: Likely benign for Ataxia-telangiectasia-like disorder. Last evaluated: 2025-05-05. Review status: criteria provided, single submitter. Criteria: Invitae Variant Classification Sherloc (09022015). Collection method: clinical testing. Allele origin: germline.

PreventionGenetics, part of Exact Sciences
Classification: Likely benign for MRE11-related condition. Last evaluated: 2024-12-20. Review status: criteria provided, single submitter. Criteria: ACMG Guidelines, 2015. Collection method: clinical testing. Allele origin: germline.
Comment: This variant is classified as likely benign based on ACMG/AMP sequence variant interpretation guidelines (Richards et al. 2015 PMID: 25741868, with internal and published modifications).

Blueprint Genetics
Classification: Likely benign. Last evaluated: 2024-09-12. Review status: criteria provided, single submitter. Criteria: ACMG Guidelines, 2015. Collection method: clinical testing. Allele origin: germline.

Women's Health and Genetics/Laboratory Corporation of America, LabCorp
Classification: Benign. Last evaluated: 2024-01-02. Review status: criteria provided, single submitter. Criteria: LabCorp Variant Classification Summary - May 2015. Collection method: clinical testing. Allele origin: germline.
Comment: Variant summary: MRE11A c.1098+8C>A alters a non-conserved nucleotide located close to a canonical splice site and therefore could affect mRNA splicing, leading to a significantly altered protein sequence. Consensus agreement among computation tools predict no significant impact on normal splicing. However, these predictions have yet to be confirmed by functional studies. The variant allele was found at a frequency of 6.7e-05 in 282696 control chromosomes, predominantly at a frequency of 0.0011 within the Ashkenazi Jewish subpopulation in the gnomAD database. The observed variant frequency within Ashkenazi Jewish control individuals in the gnomAD database is approximately 17-fold of the estimated maximal expected allele frequency for a pathogenic variant in MRE11A causing Hereditary Breast And Ovarian Cancer Syndrome phenotype (6.3e-05), strongly suggesting that the variant is a benign polymorphism. To our knowledge, no occurrence of c.1098+8C>A in individuals affected with Hereditary Breast And Ovarian Cancer Syndrome and no experimental evidence demonstrating its impact on protein function have been reported. One submitter has cited clinical-significance assessments for this variant to ClinVar after 2014 and has classified the variant as likely benign. Based on the evidence outlined above, the variant was classified as benign.

NM_005591.4(MRE11):c.1098+8C>A

Gene: MRE11 (MRE11 double strand break repair nuclease; minus strand). Cytogenetic location: 11q21.
Variant type: single nucleotide variant.
Coding change: c.1098+8C>A on transcript NM_005591.4 (MANE Select); 8 bases into the intron after coding-DNA position 1098, C replaced by A.
Molecular consequence: intron variant.
Genome position (GRCh38, 1-based): chr11:94,467,805, G>T on the plus strand (C>A on the coding strand, the complement: MRE11 is on the minus strand). VCF-style: chr11-94467805-G-T. GRCh37 (hg19) VCF-style: chr11-94200971-G-T.
Other names: c.1098+8C>A (NM_001330347.2, NM_005590.4).
Identifiers: ClinVar variation 414694 (VCV000414694.14), dbSNP rs749039246, ClinGen allele CA6235218.